The following is an entry in ClinVar:

NM_012199.5(AGO1):c.758G>A (p.Arg253His)

Genes: AGO1 (argonaute RISC component 1; plus strand), LOC129930123 (ATAC-STARR-seq lymphoblastoid active region 740; plus strand). Cytogenetic location: 1p34.3.
Variant type: single nucleotide variant.
Coding change: c.758G>A on transcript NM_012199.5 (MANE Select); coding-DNA position 758, G replaced by A.
Protein change: p.Arg253His; replaces arginine 253 with histidine.
Molecular consequence: missense variant.
Genome position (GRCh38, 1-based): chr1:35,894,145, G>A. VCF-style: chr1-35894145-G-A. GRCh37 (hg19) VCF-style: chr1-36359746-G-A.
Other names: c.758G>A, p.Arg253His (NM_001317122.2); c.533G>A, p.Arg178His (NM_001317123.2); short protein forms R178H, R253H.
Identifiers: ClinVar variation 1299764 (VCV001299764.4), dbSNP rs1645273962, ClinGen allele CA339368601.

ClinVar aggregate classification (germline): Uncertain significance. Review status: criteria provided, single submitter (1 of 4 stars). 2 submissions from 2 submitters: Uncertain significance (1). 1 of the submissions does not count toward it. Last evaluated 2025-10-03.

Conditions:
Intellectual disability. Also called: intellectual disabilities; Intellectual functioning disability; Intellectual developmental disorder. Identifiers: MedGen C3714756, MeSH D008607, MONDO:0001071, HP:0001249.

Allele frequency attached by ClinVar (database versions not stated): gnomAD exomes below 0.00001; TOPMed below 0.00001.
gnomAD v4.1: 2 of 1,579,458 alleles (0.00013%); highest among the groups gnomAD compares: Non-Finnish European, 0.00017%; no homozygotes.

Submissions (2):

GeneDx
Classification: Uncertain significance. Last evaluated: 2025-10-03. Review status: criteria provided, single submitter. Criteria: GeneDx Variant Classification Process June 2021. Collection method: clinical testing. Allele origin: germline. Affected: yes.
Comment: Not observed in large population cohorts (gnomAD); In silico analysis supports that this missense variant has a deleterious effect on protein structure/function; This variant is associated with the following publications: (PMID: 34930816, 35982159, 35982160)

Diagnostic Laboratory, Strasbourg University Hospital
Classification: Likely pathogenic for Intellectual disability. Review status: no assertion criteria provided. Collection method: clinical testing. Allele origin: de novo. Inheritance: Sporadic. Affected: yes. Observed: 1 heterozygote. Not counted in ClinVar's aggregate classification.